The following is an entry in ClinVar:

NM_015338.6(ASXL1):c.2417C>T (p.Thr806Ile)

Gene: ASXL1 (ASXL transcriptional regulator 1; plus strand). Cytogenetic location: 20q11.21.
Variant type: single nucleotide variant.
Coding change: c.2417C>T on transcript NM_015338.6 (MANE Select); coding-DNA position 2417, C replaced by T.
Protein change: p.Thr806Ile; replaces threonine 806 with isoleucine.
Molecular consequence: missense variant.
Genome position (GRCh38, 1-based): chr20:32,435,129, C>T. VCF-style: chr20-32435129-C-T. GRCh37 (hg19) VCF-style: chr20-31022932-C-T.
Other names: c.2234C>T, p.Thr745Ile (NM_001363734.1); short protein forms T745I, T806I.
Identifiers: ClinVar variation 1186872 (VCV001186872.10), dbSNP rs775227254, ClinGen allele CA9808612.

ClinVar aggregate classification (germline): Conflicting classifications of pathogenicity. Review status: criteria provided, conflicting classifications (1 of 4 stars). 3 submissions from 3 submitters: Uncertain significance (1); Likely benign (2). Last evaluated 2025-05-22.

Conditions:
Inborn genetic diseases. Identifiers: MedGen C0950123, MeSH D030342.

Allele frequency attached by ClinVar (database versions not stated): gnomAD 0.00001; ExAC 0.00002; TOPMed 0.00002; gnomAD exomes 0.00003 and 0.00004.
gnomAD v4.1: 57 of 1,613,824 alleles (0.0035%); highest among the groups gnomAD compares: Admixed American, 0.0067%; no homozygotes.

Submissions (3):

Labcorp Genetics (formerly Invitae), Labcorp
Classification: Uncertain significance. Last evaluated: 2025-05-22. Review status: criteria provided, single submitter. Criteria: Invitae Variant Classification Sherloc (09022015). Collection method: clinical testing. Allele origin: germline.
Comment: This sequence change replaces threonine, which is neutral and polar, with isoleucine, which is neutral and non-polar, at codon 806 of the ASXL1 protein (p.Thr806Ile). This variant is present in population databases (rs775227254, gnomAD 0.009%). This missense change has been observed in individual(s) with features of Bohring Opitz syndrome (internal data). ClinVar contains an entry for this variant (Variation ID: 1186872). An algorithm developed to predict the effect of missense changes on protein structure and function (PolyPhen-2) suggests that this variant is likely to be tolerated. In summary, the available evidence is currently insufficient to determine the role of this variant in disease. Therefore, it has been classified as a Variant of Uncertain Significance.

Ambry Genetics
Classification: Likely benign for Inborn genetic diseases. Last evaluated: 2024-10-15. Review status: criteria provided, single submitter. Criteria: Ambry Variant Classification Scheme 2023. Collection method: clinical testing. Allele origin: germline.

GeneDx
Classification: Likely benign. Last evaluated: 2020-08-26. Review status: criteria provided, single submitter. Criteria: GeneDx Variant Classification Process June 2021. Collection method: clinical testing. Allele origin: germline. Affected: yes.